The following is an entry in ClinVar:

NM_005359.6(SMAD4):c.1276G>A (p.Val426Ile)

Gene: SMAD4 (SMAD family member 4; plus strand). Cytogenetic location: 18q21.2.
Variant type: single nucleotide variant.
Coding change: c.1276G>A on transcript NM_005359.6 (MANE Select); coding-DNA position 1276, G replaced by A.
Protein change: p.Val426Ile; replaces valine 426 with isoleucine.
Molecular consequence: missense variant.
Genome position (GRCh38, 1-based): chr18:51,067,155, G>A. VCF-style: chr18-51067155-G-A. GRCh37 (hg19) VCF-style: chr18-48593525-G-A.
Other names: short protein forms V426I.
Identifiers: ClinVar variation 460535 (VCV000460535.14), dbSNP rs1555686617, ClinGen allele CA402465010.

ClinVar aggregate classification (germline): Uncertain significance. Review status: criteria provided, multiple submitters, no conflicts (2 of 4 stars). 2 submissions from 2 submitters: Uncertain significance (2). Last evaluated 2018-07-16.

Conditions:
Familial thoracic aortic aneurysm and aortic dissection (TAAD). Also called: Thoracic aortic aneurysms and dissections. Identifiers: Orphanet 91387, MedGen C4707243, MONDO:0019625.
Hereditary cancer-predisposing syndrome. Also called: Hereditary neoplastic syndrome; Neoplastic Syndromes, Hereditary; Tumor predisposition; Hereditary Cancer Syndrome. Identifiers: Orphanet 140162, MedGen C0027672, MeSH D009386, MONDO:0015356.
Juvenile polyposis syndrome (JPS). Identifiers: Orphanet 2929, MedGen C0345893, MONDO:0017380, OMIM 174900.

Submissions (2):

Ambry Genetics
Classification: Uncertain significance for Hereditary cancer-predisposing syndrome; Familial thoracic aortic aneurysm and aortic dissection. Last evaluated: 2018-07-16. Review status: criteria provided, single submitter. Criteria: Ambry Variant Classification Scheme 2023. Collection method: clinical testing. Allele origin: germline.
Comment: The p.V426I variant (also known as c.1276G>A), located in coding exon 9 of the SMAD4 gene, results from a G to A substitution at nucleotide position 1276. The valine at codon 426 is replaced by isoleucine, an amino acid with highly similar properties. This amino acid position is highly conserved in available vertebrate species. In addition, this alteration is predicted to be deleterious by in silico analysis. Since supporting evidence is limited at this time, the clinical significance of this alteration remains unclear.

Labcorp Genetics (formerly Invitae), Labcorp
Classification: Uncertain significance for Juvenile polyposis syndrome. Last evaluated: 2017-02-04. Review status: criteria provided, single submitter. Criteria: Invitae Variant Classification Sherloc (09022015). Collection method: clinical testing. Allele origin: germline.
Comment: This sequence change replaces valine with isoleucine at codon 426 of the SMAD4 protein (p.Val426Ile). The valine residue is highly conserved and there is a small physicochemical difference between valine and isoleucine. This variant is not present in population databases (ExAC no frequency) and has not been reported in the literature in individuals with a SMAD4-related disease. Algorithms developed to predict the effect of missense changes on protein structure and function (SIFT, PolyPhen-2, Align-GVGD) all suggest that this variant is likely to be disruptive, but these predictions have not been confirmed by published functional studies. In summary, this variant is a novel missense change with uncertain impact on protein function. It has been classified as a Variant of Uncertain Significance.